The following is an entry in ClinVar:

ClinVar aggregate classification (germline): Uncertain significance. Review status: criteria provided, multiple submitters, no conflicts (2 of 4 stars). 3 submissions from 3 submitters: Uncertain significance (3). Last evaluated 2024-10-21.

Conditions:
Inborn genetic diseases. Identifiers: MedGen C0950123, MeSH D030342.
Multiple acyl-CoA dehydrogenase deficiency (MADD). Also called: ETHYLMALONIC-ADIPICACIDURIA; GA II; Glutaric aciduria, type 2; Glutaric Acidemia type 2; Glutaric acidemia type II; GA 2. Identifiers: Orphanet 26791, MedGen C0268596, MONDO:0009282, OMIM 231680.

Allele frequency attached by ClinVar (database versions not stated): ExAC 0.00001; gnomAD 0.00001; gnomAD exomes 0.00001; 1000 Genomes Project 0.00020; 1000 Genomes Project 30x 0.00031.
gnomAD v4.1: 12 of 1,613,746 alleles (0.00074%); highest among the groups gnomAD compares: Non-Finnish European, 0.001%; no homozygotes.

Submissions (3):

Labcorp Genetics (formerly Invitae), Labcorp
Classification: Uncertain significance for Multiple acyl-CoA dehydrogenase deficiency. Last evaluated: 2024-10-21. Review status: criteria provided, single submitter. Criteria: Invitae Variant Classification Sherloc (09022015). Collection method: clinical testing. Allele origin: germline.
Comment: This sequence change replaces glutamic acid, which is acidic and polar, with glutamine, which is neutral and polar, at codon 314 of the ETFDH protein (p.Glu314Gln). This variant is present in population databases (rs201579588, gnomAD 0.002%). This variant has not been reported in the literature in individuals affected with ETFDH-related conditions. ClinVar contains an entry for this variant (Variation ID: 1376762). Invitae Evidence Modeling of protein sequence and biophysical properties (such as structural, functional, and spatial information, amino acid conservation, physicochemical variation, residue mobility, and thermodynamic stability) indicates that this missense variant is not expected to disrupt ETFDH protein function with a negative predictive value of 80%. In summary, the available evidence is currently insufficient to determine the role of this variant in disease. Therefore, it has been classified as a Variant of Uncertain Significance.

Ambry Genetics
Classification: Uncertain significance for Inborn genetic diseases. Last evaluated: 2024-05-16. Review status: criteria provided, single submitter. Criteria: Ambry Variant Classification Scheme 2023. Collection method: clinical testing. Allele origin: germline.

Blueprint Genetics
Classification: Uncertain significance. Last evaluated: 2023-09-21. Review status: criteria provided, single submitter. Criteria: ACMG Guidelines, 2015. Collection method: clinical testing. Allele origin: germline.

NM_004453.4(ETFDH):c.940G>C (p.Glu314Gln)

Gene: ETFDH (electron transfer flavoprotein dehydrogenase; plus strand). Cytogenetic location: 4q32.1.
Variant type: single nucleotide variant.
Coding change: c.940G>C on transcript NM_004453.4 (MANE Select); coding-DNA position 940, G replaced by C.
Protein change: p.Glu314Gln; replaces glutamic acid 314 with glutamine.
Molecular consequence: missense variant.
Genome position (GRCh38, 1-based): chr4:158,697,667, G>C. VCF-style: chr4-158697667-G-C. GRCh37 (hg19) VCF-style: chr4-159618819-G-C.
Other names: c.940G>C (NM_004453.2); c.799G>C, p.Glu267Gln (NM_001281737.2); c.757G>C, p.Glu253Gln (NM_001281738.1); short protein forms E267Q, E314Q, E253Q.
Identifiers: ClinVar variation 1376762 (VCV001376762.9), dbSNP rs201579588, ClinGen allele CA3122500.
Genomic context (GRCh38, chr4:158,697,667, plus strand): 5'-ACTGTTGGTTGGCCCTTGGACAGACATACCTATGGAGGATCTTTCCTCTATCATTTGAAT[G>C]AAGGTGAACCCCTAGTAGCTCTTGGTCTTGTGGTAAGTTATATTCCCATTAGGGAAAATT-3'
Protein context (NP_004444.2, residues 304-324): YGGSFLYHLN[Glu314Gln]GEPLVALGLV